The following is an entry in ClinVar:

NM_001164277.2(SLC37A4):c.95_97del (p.Ser32del)

Gene: SLC37A4 (solute carrier family 37 member 4; minus strand). Cytogenetic location: 11q23.3.
Variant type: Deletion.
Coding change: c.95_97del on transcript NM_001164277.2 (MANE Select); coding-DNA positions 95 to 97, 3 bases deleted (CCT; older notation c.95_97delCCT).
Protein change: p.Ser32del; deletes serine 32.
Molecular consequence: inframe deletion. On other transcripts: intron variant (1).
Genome position (GRCh38, 1-based): chr11:119,029,273-119,029,275, AGG deleted on the plus strand (CCT on the coding strand, the reverse complement: SLC37A4 is on the minus strand); deleting any 3 consecutive bases within chr11:119,029,273-119,029,277 gives the same sequence; the c. name uses the placement nearest the transcript's 3' end. VCF-style (leftmost placement, unchanged base first): chr11-119029272-AAGG-A. GRCh37 (hg19) VCF-style: chr11-118899982-AAGG-A.
Other names: c.95_97del, p.Ser32del (NM_001164278.2, NM_001164280.2, NM_001467.6); c.-172+117_-172+119del (NM_001164279.2); short protein forms S32del.
Identifiers: ClinVar variation 3256584 (VCV003256584.1).

ClinVar aggregate classification (germline): Likely pathogenic (1 of 4 stars; one submission).

Conditions:
Glucose-6-phosphate transport defect (GSD1B). Also called: GSD Ib; Glycogen Storage Disease Type Ib. Identifiers: Orphanet 364, Orphanet 79259, MedGen C0268146, MONDO:0009288, OMIM 232220.

Submission:

Laboratory of Medical Genetics, National & Kapodistrian University of Athens
Classification: Likely pathogenic for Glucose-6-phosphate transport defect. Last evaluated: 2023-11-20. Review status: criteria provided, single submitter. Criteria: ACMG Guidelines, 2015. Collection method: clinical testing. Allele origin: germline. Affected: yes.
Comment: PM1, PM2, PM4, PP4 - Low frequency in gnomAD population databases. Higly relevant to the patient's phenotype.